The following is an entry in ClinVar:

NM_138694.4(PKHD1):c.8108-16G>C

Gene: PKHD1 (PKHD1 ciliary IPT domain containing fibrocystin/polyductin; minus strand). Cytogenetic location: 6p12.2.
Variant type: single nucleotide variant.
Coding change: c.8108-16G>C on transcript NM_138694.4 (MANE Select); 16 bases into the intron before coding-DNA position 8108, G replaced by C.
Molecular consequence: intron variant.
Genome position (GRCh38, 1-based): chr6:51,836,485, C>G on the plus strand (G>C on the coding strand, the complement: PKHD1 is on the minus strand). VCF-style: chr6-51836485-C-G. GRCh37 (hg19) VCF-style: chr6-51701283-C-G.
Other names: p.?; c.8108-16G>C (NM_170724.3).
Identifiers: ClinVar variation 262417 (VCV000262417.15), dbSNP rs73442356, ClinGen allele CA3851735.
Genomic context (GRCh38, chr6:51,836,485, plus strand): 5'-CTTCCTTCACCCGGAGAATGACTTGAACTTGGCCTTCACCTGAAACTAAATACCAAAAGC[C>G]ACAACTTGCATGTGATACAAAGATCATCTTAATATTAAAGACAGTCACACGTGAGAAAAG-3'

ClinVar aggregate classification (germline): Benign/Likely benign. Review status: criteria provided, multiple submitters, no conflicts (2 of 4 stars). 7 submissions from 7 submitters: Benign (5); Likely benign (1). 1 of the submissions does not count toward it. Last evaluated 2026-02-04.

Conditions:
Autosomal recessive polycystic kidney disease (ARPKD). Also called: AR polycystic kidney disease. Identifiers: Orphanet 731, Orphanet 8378, MedGen C0085548, MeSH D017044, MONDO:0009889.

Allele frequency attached by ClinVar (database versions not stated): gnomAD exomes 0.00184 and 0.00455; ExAC 0.00542; gnomAD 0.01832; 1000 Genomes Project 0.01917; ESP Exome Variant Server 0.02007; TOPMed 0.02024; 1000 Genomes Project 30x 0.02202.
gnomAD v4.1: 5,451 of 1,582,314 alleles (0.34%); highest among the groups gnomAD compares: African/African-American, 6.1%; 151 homozygotes.

Submissions (7):

Labcorp Genetics (formerly Invitae), Labcorp
Classification: Benign for Autosomal recessive polycystic kidney disease. Last evaluated: 2026-02-04. Review status: criteria provided, single submitter. Criteria: Invitae Variant Classification Sherloc (09022015). Collection method: clinical testing. Allele origin: germline.

Blueprint Genetics
Classification: Likely benign. Last evaluated: 2024-11-11. Review status: criteria provided, single submitter. Criteria: ACMG Guidelines, 2015. Collection method: clinical testing. Allele origin: germline.

Mayo Clinic Laboratories, Mayo Clinic
Classification: Benign. Last evaluated: 2021-12-23. Review status: criteria provided, single submitter. Criteria: ACMG Guidelines, 2015. Collection method: clinical testing. Allele origin: germline. Observed: 25 variant alleles.

GeneDx
Classification: Benign. Last evaluated: 2019-10-05. Review status: criteria provided, single submitter. Criteria: GeneDx Variant Classification Process June 2021. Collection method: clinical testing. Allele origin: germline. Affected: yes.

Women's Health and Genetics/Laboratory Corporation of America, LabCorp
Classification: Benign. Last evaluated: 2016-08-09. Review status: criteria provided, single submitter. Criteria: LabCorp Variant Classification Summary - May 2015. Collection method: clinical testing. Allele origin: germline.
Comment: Variant summary: The PKHD1 c.8108-16G>C variant involves the alteration of a non-conserved intronic nucleotide. One in silico tool predicts a benign outcome for this variant. 5/5 splice prediction tools predict no significant impact on normal splicing. However, these predictions have yet to be confirmed by functional studies. This variant was found in 656/121014 control chromosomes (14 homozygotes), predominantly observed in the African subpopulation at a frequency of 0.0577145 (600/10396). This frequency is about 8 times the estimated maximal expected allele frequency of a pathogenic PKHD1 variant (0.0070711), suggesting this is likely a benign polymorphism found primarily in the populations of African origin. The variant of interest has not, to our knowledge, been reported in affected individuals via publications and/or reputable databases/clinical diagnostic laboratories; nor evaluated for functional impact by in vivo/vitro studies. Due to the lack of effect on amino acid sequence, the lack of predicted effect on splicing, and the high frequency of the variant in the control population, this variant has been classified as benign.

PreventionGenetics, part of Exact Sciences
Classification: Benign. Review status: criteria provided, single submitter. Criteria: ACMG Guidelines, 2015. Collection method: clinical testing. Allele origin: germline.

Natera, Inc.
Classification: Benign for Autosomal recessive polycystic kidney disease. Last evaluated: 2020-09-16. Review status: no assertion criteria provided. Collection method: clinical testing. Allele origin: germline. Not counted in ClinVar's aggregate classification.